The following is an entry in ClinVar:

ClinVar aggregate classification (germline): Likely pathogenic (1 of 4 stars; one submission).

Conditions:
FANCB-related disorder. Also called: FANCB-related condition.

Submission:

PreventionGenetics, part of Exact Sciences
Classification: Likely pathogenic for FANCB-related condition. Last evaluated: 2022-12-01. Review status: criteria provided, single submitter. Criteria: ACMG Guidelines, 2015. Collection method: clinical testing. Allele origin: germline.
Comment: The FANCB c.1105-2A>G variant is predicted to disrupt the AG splice acceptor site and interfere with normal splicing. To our knowledge, this variant has not been reported in the literature or in a large population database, indicating this variant is rare. Variants that disrupt the consensus splice acceptor site in FANCB are expected to be pathogenic. This variant is interpreted as likely pathogenic.

NM_001018113.3(FANCB):c.1105-2A>G

Gene: FANCB (FA complementation group B; minus strand). Cytogenetic location: Xp22.2.
Variant type: single nucleotide variant.
Coding change: c.1105-2A>G on transcript NM_001018113.3 (MANE Select); the canonical splice acceptor site of the intron before coding-DNA position 1105, A replaced by G.
Molecular consequence: splice acceptor variant.
Genome position (GRCh38, 1-based): chrX:14,857,956, T>C on the plus strand (A>G on the coding strand, the complement: FANCB is on the minus strand). VCF-style: chrX-14857956-T-C. GRCh37 (hg19) VCF-style: chrX-14876078-T-C.
Other names: c.1105-2A>G (NM_001410764.1, NM_001324162.2, NM_152633.4).
Identifiers: ClinVar variation 2635270 (VCV002635270.1), dbSNP rs2518988749, ClinGen allele CA412442974.